The following is an entry in ClinVar:

NM_001008537.3(NEXMIF):c.1104T>G (p.Asp368Glu)

Gene: NEXMIF (neurite extension and migration factor; minus strand). Cytogenetic location: Xq13.3.
Variant type: single nucleotide variant.
Coding change: c.1104T>G on transcript NM_001008537.3 (MANE Select); coding-DNA position 1104, T replaced by G.
Protein change: p.Asp368Glu; replaces aspartic acid 368 with glutamic acid.
Molecular consequence: missense variant.
Genome position (GRCh38, 1-based): chrX:74,743,453, A>C on the plus strand (T>G on the coding strand, the complement: NEXMIF is on the minus strand). VCF-style: chrX-74743453-A-C. GRCh37 (hg19) VCF-style: chrX-73963288-A-C.
Other names: short protein forms D368E.
Identifiers: ClinVar variation 3368545 (VCV003368545.1).

ClinVar aggregate classification (germline): Uncertain significance (1 of 4 stars; one submission).

Submission:

GeneDx
Classification: Uncertain significance. Last evaluated: 2024-02-04. Review status: criteria provided, single submitter. Criteria: GeneDx Variant Classification Process June 2021. Collection method: clinical testing. Allele origin: germline. Affected: yes.
Comment: Not observed at significant frequency in large population cohorts (gnomAD); In silico analysis supports that this missense variant does not alter protein structure/function; Has not been previously published as pathogenic or benign to our knowledge